The following is an entry in ClinVar:

ClinVar aggregate classification (germline): Pathogenic/Likely pathogenic. Review status: criteria provided, multiple submitters, no conflicts (2 of 4 stars). 10 submissions from 10 submitters: Pathogenic (8); Likely pathogenic (1). 1 of the submissions does not count toward it. Last evaluated 2025-12-31.

Conditions:
Familial hyperinsulinism. Also called: Congenital hyperinsulinism. Identifiers: Orphanet 276525, MedGen C3888018, MONDO:0017182. Disease mechanism: loss of function.
Hyperinsulinemic hypoglycemia, familial, 1 (HHF1). Also called: HYPERINSULINISM, FAMILIAL, WITH PANCREATIC NESIDIOBLASTOSIS; HYPOGLYCEMIA, HYPERINSULINEMIC, OF INFANCY; Persistent hyperinsulinemic hypoglycemia of infancy; NESIDIOBLASTOSIS OF PANCREAS; Persistent Hyperinsulinemia Hypoglycemia of Infancy. Identifiers: Orphanet 276575, Orphanet 276598, MedGen C2931832, MONDO:0009734, OMIM 256450.
Type 2 diabetes mellitus. Also called: Type II diabetes mellitus. Identifiers: MedGen C0011860, MeSH D003924, MONDO:0005148, OMIM 125853, HP:0005978.
Hereditary hyperinsulinism.

Allele frequency attached by ClinVar (database versions not stated): TOPMed 0.00002.
gnomAD v4.1: 15 of 1,613,992 alleles (0.00093%); highest among the groups gnomAD compares: East Asian, 0.0022%; no homozygotes.

Submissions (10):

Natera, Inc.
Classification: Pathogenic for Hereditary hyperinsulinism. Last evaluated: 2025-12-31. Review status: criteria provided, single submitter. Criteria: Natera Variant Classification Schema (03/2026). Collection method: clinical testing. Allele origin: germline.
Comment: The c.4412-13G>A variant in ABCC8 is an intronic variant located outside the canonical splice sites. This variant is rare in the general population with a frequency below the threshold expected for the associated phenotype(s). This variant has been observed in one or more individuals affected with the associated recessive disease, as either homozygous or compound heterozygous with a second variant (PMID: 23067144, 33240318, 24145932). Computational prediction algorithms indicate this variant is likely to affect gene or protein function. Given the available evidence, this variant is classified as Pathogenic.

Victorian Clinical Genetics Services, Murdoch Childrens Research Institute
Classification: Pathogenic for Hyperinsulinemic hypoglycemia, familial, 1. Last evaluated: 2024-10-09. Review status: criteria provided, single submitter. Criteria: ACMG Guidelines, 2015. Collection method: clinical testing. Allele origin: germline. Inheritance: Autosomal dominant inheritance.
Comment: Based on the classification scheme VCGS_Germline_v1.3.4, this variant is classified as Pathogenic. Following criteria are met: 0103 - Loss of function and gain of function are known mechanisms of disease in this gene and are associated with congenital hyperinsulism (CHI) and neonatal diabetes mellitus (NDM), respectively (PMIDs: 32376986, 32027066). (I) 0108 - This gene is known to be associated with both recessive and dominant disease. The ABCC8 gene has been associated with both autosomal recessive and dominant NDM and CHI (PMID: 32027066). Focal CHI is caused by a somatic second hit with the loss of the maternal chromosome 11p15.5 region by uniparental disomy that makes the paternally inherited variant mosaic homozygous (PMID: 32027066). (I) 0112 - The condition associated with this gene has incomplete penetrance. Variable penetrance has been reported for hyperinsulinemic hypoglycaemia, familial, 1 (MIM#256450) (PMID: 20301549). (I) 0209 - Splice site variant proven to affect splicing of the transcript with uncertain effect on protein sequence. Mini-gene assays demonstrated an intronic retention of 11bp, which is expected to result in an out-of-frame transcript (PMID: 33410562). (SP) 0251 - This variant is heterozygous. (I) 0304 - Variant is present in gnomAD <0.01 (v2+v3: 2 heterozygotes, 0 homozygotes). (SP) 0801 - This variant has strong previous evidence of pathogenicity in unrelated individuals. It has been reported in individuals with congenital hyperinsulinism, both heterozygotes and compound heterozygotes. In at least two reports, the variants were paternally inherited (PMID: 20943781, 23652837, 28439221, 33410562). It is also classified as likely pathogenic/pathogenic by diagnostic laboratories in ClinVar. (I) Legend: (SP) - Supporting pathogenic, (I) - Information, (SB) - Supporting benign

Labcorp Genetics (formerly Invitae), Labcorp
Classification: Pathogenic. Last evaluated: 2024-10-08. Review status: criteria provided, single submitter. Criteria: Invitae Variant Classification Sherloc (09022015). Collection method: clinical testing. Allele origin: germline.
Comment: This sequence change falls in intron 36 of the ABCC8 gene. It does not directly change the encoded amino acid sequence of the ABCC8 protein. This variant is present in population databases (no rsID available, gnomAD 0.006%). This variant has been observed in individuals with autosomal recessive familial hyperinsulinism (PMID: 20943781, 24145932, 25972930, 30186238). This variant has been reported in individual(s) with autosomal dominant familial hyperinsulinism (PMID: 28439221); however, the role of the variant in this condition is currently unclear. This variant is also known as c.4415-13G>A. ClinVar contains an entry for this variant (Variation ID: 551999). Algorithms developed to predict the effect of sequence changes on RNA splicing suggest that this variant may disrupt the consensus splice site. For these reasons, this variant has been classified as Pathogenic.

Genomic Medicine Center of Excellence, King Faisal Specialist Hospital and Research Centre
Classification: Pathogenic for Hyperinsulinemic hypoglycemia, familial, 1. Last evaluated: 2024-03-23. Review status: criteria provided, single submitter. Criteria: ACMG Guidelines, 2015. Collection method: clinical testing. Allele origin: germline.

Baylor Genetics
Classification: Pathogenic for Type 2 diabetes mellitus. Last evaluated: 2024-01-16. Review status: criteria provided, single submitter. Criteria: ACMG Guidelines, 2015. Collection method: clinical testing. Allele origin: unknown.

Broad Center for Mendelian Genomics, Broad Institute of MIT and Harvard
Classification: Pathogenic for Hyperinsulinemic hypoglycemia, familial, 1. Last evaluated: 2023-08-16. Review status: criteria provided, single submitter. Criteria: ACMG Guidelines, 2015. Collection method: curation. Allele origin: germline. Inheritance: Autosomal recessive inheritance.
Comment: The c.4412-13G>A variant in ABCC8 has been reported in at least 9 individuals with hyperinsulinemic hypoglycemia (PMID: 20685672, 30186238, 33688939, 25972930, 21968111, 26504129, 28439221, 33240318, 15807877), and has been identified in 0.005% (1/18392) of East Asian chromosomes by the Genome Aggregation Database (gnomAD; dbSNP rs1008906426). Although this variant has been seen in the general population in a heterozygous state, its frequency is low enough to be consistent with a recessive carrier frequency. This variant has also been reported in ClinVar (Variation ID#: 551999) and has been interpreted as pathogenic or likely pathogenic by multiple sources. Of the 9 affected individuals, 4 were compound heterozygotes that carried a reported pathogenic variant in trans, which increases the likelihood that the c.4412-13G>A variant is pathogenic (Variation ID: 434053, 959844; PMID: 20685672, 30186238, 26504129, 33240318). A minigene assay performed on affected tissue shows evidence of intron retention after exon 36 (PMID: 33410562). This variant is located in the 5' splice region. Computational tools do suggest an impact to splicing. However, this information is not predictive enough to determine/rule out pathogenicity. In summary, this variant meets criteria to be classified as pathogenic for autosomal recessive hyperinsulinemic hypoglycemia. ACMG/AMP Criteria applied: PM3_very_strong, PS3_moderate, PP3, PP2_supporting (Richards 2015).

Institute of Medical Genetics and Applied Genomics, University Hospital Tübingen
Classification: Pathogenic for Hyperinsulinemic hypoglycemia, familial, 1. Last evaluated: 2022-12-07. Review status: criteria provided, single submitter. Criteria: ACMG Guidelines, 2015. Collection method: clinical testing. Allele origin: germline. Inheritance: Autosomal dominant inheritance. Affected: yes.

Mendelics
Classification: Likely pathogenic for Type 2 diabetes mellitus. Last evaluated: 2022-05-04. Review status: criteria provided, single submitter. Criteria: Mendelics Assertion Criteria 2019. Collection method: clinical testing. Allele origin: germline.

Women's Health and Genetics/Laboratory Corporation of America, LabCorp
Classification: Pathogenic for Familial hyperinsulinism. Last evaluated: 2022-04-27. Review status: criteria provided, single submitter. Criteria: LabCorp Variant Classification Summary - May 2015. Collection method: clinical testing. Allele origin: germline.
Comment: Variant summary: ABCC8 c.4412-13G>A alters a conserved nucleotide located close to a canonical splice site and therefore could affect mRNA splicing, leading to a significantly altered protein sequence. Several computational tools predict a significant impact on normal splicing: One predict the variant abolishes the canonical 3' splice acceptor site. Two predict the variant weakens the canonical 3' acceptor site. Four predict the variant creates an alternate intronic 3' splice acceptor site that predicts the retention of eleven intronic nucleotides leading to a frameshift in the protein sequence. At least one publication reports experimental evidence on a minigene splicing assay that this variant affects mRNA splicing leading to an out of frame alteration consistent with the computational predictions (example, Saint-Martin_2021). The variant allele was found at a frequency of 4e-06 in 251406 control chromosomes. c.4412-13G>A has been reported in the literature as homozygous, compound heterozygous and carrier genotypes in individuals affected with focal or diffuse histologies of Congenital Hyperinsulinism (example, Bellanne-Chantelot_2010, Ohkubo_2005, Yorifuji_2013, Saint-Martin_2021). These data indicate that the variant is very likely to be associated with disease. Three clinical diagnostic laboratories have submitted clinical-significance assessments for this variant to ClinVar after 2014 without evidence for independent evaluation. All laboratories classified the variant as pathogenic/likely pathogenic. Based on the evidence outlined above, the variant was classified as pathogenic.

Counsyl
Classification: Likely pathogenic for Hyperinsulinemic hypoglycemia, familial, 1. Last evaluated: 2017-05-19. Review status: no assertion criteria provided. Collection method: clinical testing. Allele origin: unknown. Not counted in ClinVar's aggregate classification.

Literature cited by the submitters: PubMed 23067144 (cited by Natera, Inc. and Counsyl); PubMed 33240318 (cited by Natera, Inc. and Women's Health and Genetics/Laboratory Corporation of America, LabCorp); PubMed 24145932 (cited by 3 submitters); PubMed 20301549 (cited by Victorian Clinical Genetics Services, Murdoch Childrens Research Institute); PubMed 20943781 (cited by Victorian Clinical Genetics Services, Murdoch Childrens Research Institute and Labcorp Genetics (formerly Invitae), Labcorp); PubMed 23652837 (cited by Victorian Clinical Genetics Services, Murdoch Childrens Research Institute); PubMed 28439221 (cited by Victorian Clinical Genetics Services, Murdoch Childrens Research Institute and Labcorp Genetics (formerly Invitae), Labcorp); PubMed 32027066 (cited by Victorian Clinical Genetics Services, Murdoch Childrens Research Institute); PubMed 32376986 (cited by Victorian Clinical Genetics Services, Murdoch Childrens Research Institute); PubMed 33410562 (cited by Victorian Clinical Genetics Services, Murdoch Childrens Research Institute and Women's Health and Genetics/Laboratory Corporation of America, LabCorp); PubMed 25972930 (cited by Labcorp Genetics (formerly Invitae), Labcorp); PubMed 30186238 (cited by Labcorp Genetics (formerly Invitae), Labcorp); PubMed 15807877 (cited by Women's Health and Genetics/Laboratory Corporation of America, LabCorp); PubMed 20685672 (cited by Women's Health and Genetics/Laboratory Corporation of America, LabCorp).

NM_000352.6(ABCC8):c.4412-13G>A

Gene: ABCC8 (ATP binding cassette subfamily C member 8; minus strand). Cytogenetic location: 11p15.1.
Variant type: single nucleotide variant.
Coding change: c.4412-13G>A on transcript NM_000352.6 (MANE Select); 13 bases into the intron before coding-DNA position 4412, G replaced by A.
Molecular consequence: intron variant.
Genome position (GRCh38, 1-based): chr11:17,394,412, C>T on the plus strand (G>A on the coding strand, the complement: ABCC8 is on the minus strand). VCF-style: chr11-17394412-C-T. GRCh37 (hg19) VCF-style: chr11-17415959-C-T.
Other names: c.4409-13G>A (NM_001351297.2); c.4412-13G>A (NM_001351296.2, NM_000352.4); c.4478-13G>A (NM_001351295.2); c.4415-13G>A (NM_001287174.3).
Identifiers: ClinVar variation 551999 (VCV000551999.20), dbSNP rs1008906426, ClinGen allele CA5902472.